The following is an entry in ClinVar:

NM_005529.7(HSPG2):c.9604G>A (p.Val3202Met)

Gene: HSPG2 (heparan sulfate proteoglycan 2; minus strand). Cytogenetic location: 1p36.12.
Variant type: single nucleotide variant.
Coding change: c.9604G>A on transcript NM_005529.7 (MANE Select); coding-DNA position 9604, G replaced by A.
Protein change: p.Val3202Met; replaces valine 3202 with methionine.
Molecular consequence: missense variant.
Genome position (GRCh38, 1-based): chr1:21,839,927, C>T on the plus strand (G>A on the coding strand, the complement: HSPG2 is on the minus strand). VCF-style: chr1-21839927-C-T. GRCh37 (hg19) VCF-style: chr1-22166420-C-T.
Other names: c.9607G>A, p.Val3203Met (NM_001291860.2); short protein forms V3202M, V3203M.
Identifiers: ClinVar variation 874934 (VCV000874934.11), dbSNP rs760284909, ClinGen allele CA670394.

ClinVar aggregate classification (germline): Uncertain significance. Review status: criteria provided, multiple submitters, no conflicts (2 of 4 stars). 4 submissions from 3 submitters: Uncertain significance (4). Last evaluated 2025-06-23.

Conditions:
Schwartz-Jampel syndrome. Also called: Myotonic myopathy dwarfism chondrodystrophy and ocular and facial abnormalities. Identifiers: Orphanet 800, MedGen C0036391, MONDO:0009717.
Inborn genetic diseases. Identifiers: MedGen C0950123, MeSH D030342.
Lethal Kniest-like syndrome (DDSH). Also called: Dyssegmental Dysplasia. Identifiers: Orphanet 1865, MedGen C1857100, MONDO:0009140, OMIM 224410.

Allele frequency attached by ClinVar (database versions not stated): gnomAD 0.00003; gnomAD exomes 0.00003 and 0.00007; ExAC 0.00005; TOPMed 0.00005.
gnomAD v4.1: 48 of 1,614,044 alleles (0.003%); highest among the groups gnomAD compares: East Asian, 0.038%; no homozygotes.

Submissions (4):

Labcorp Genetics (formerly Invitae), Labcorp
Classification: Uncertain significance. Last evaluated: 2025-06-23. Review status: criteria provided, single submitter. Criteria: Invitae Variant Classification Sherloc (09022015). Collection method: clinical testing. Allele origin: germline.
Comment: This sequence change replaces valine, which is neutral and non-polar, with methionine, which is neutral and non-polar, at codon 3202 of the HSPG2 protein (p.Val3202Met). This variant is present in population databases (rs760284909, gnomAD 0.08%). This variant has not been reported in the literature in individuals affected with HSPG2-related conditions. ClinVar contains an entry for this variant (Variation ID: 874934). An algorithm developed to predict the effect of missense changes on protein structure and function (PolyPhen-2) suggests that this variant is likely to be disruptive. In summary, the available evidence is currently insufficient to determine the role of this variant in disease. Therefore, it has been classified as a Variant of Uncertain Significance.

Ambry Genetics
Classification: Uncertain significance for Inborn genetic diseases. Last evaluated: 2025-03-26. Review status: criteria provided, single submitter. Criteria: Ambry Variant Classification Scheme 2023. Collection method: clinical testing. Allele origin: germline.

Illumina Laboratory Services, Illumina
Classification: Uncertain significance for Schwartz-Jampel syndrome type 1. Last evaluated: 2017-04-28. Review status: criteria provided, single submitter. Criteria: ICSL Variant Classification Criteria 13 December 2019. Collection method: clinical testing. Allele origin: germline.

Illumina Laboratory Services, Illumina
Classification: Uncertain significance for Lethal Kniest-like syndrome. Last evaluated: 2017-04-28. Review status: criteria provided, single submitter. Criteria: ICSL Variant Classification Criteria 13 December 2019. Collection method: clinical testing. Allele origin: germline.